The following is an entry in ClinVar:

ClinVar aggregate classification (germline): Uncertain significance. Review status: criteria provided, multiple submitters, no conflicts (2 of 4 stars). 2 submissions from 2 submitters: Uncertain significance (2). Last evaluated 2026-02-17.

Conditions:
Cardiovascular phenotype. Identifiers: MedGen CN230736.

Allele frequency attached by ClinVar (database versions not stated): gnomAD exomes below 0.00001; gnomAD 0.00001.

Submissions (2):

Ambry Genetics
Classification: Uncertain significance for Cardiovascular phenotype. Last evaluated: 2026-02-17. Review status: criteria provided, single submitter. Criteria: Ambry Variant Classification Scheme 2023. Collection method: clinical testing. Allele origin: germline.
Comment: The c.76G>C (p.E26Q) alteration is located in exon 3 (coding exon 2) of the APOA1 gene. This alteration results from a G to C substitution at nucleotide position 76, causing the glutamic acid (E) at amino acid position 26 to be replaced by a glutamine (Q). Based on data from gnomAD, the C allele has an overall frequency of 0.003% (1/31388) total alleles studied. The highest observed frequency was 0.007% (1/15414) of European (non-Finnish) alleles. Based on insufficient or conflicting evidence, the clinical significance of this alteration remains unclear.

Labcorp Genetics (formerly Invitae), Labcorp
Classification: Uncertain significance. Last evaluated: 2022-07-15. Review status: criteria provided, single submitter. Criteria: Invitae Variant Classification Sherloc (09022015). Collection method: clinical testing. Allele origin: germline.
Comment: In summary, the available evidence is currently insufficient to determine the role of this variant in disease. Therefore, it has been classified as a Variant of Uncertain Significance. Algorithms developed to predict the effect of missense changes on protein structure and function are either unavailable or do not agree on the potential impact of this missense change (SIFT: "Not Available"; PolyPhen-2: "Possibly Damaging"; Align-GVGD: "Not Available"). This variant has not been reported in the literature in individuals affected with APOA1-related conditions. The frequency data for this variant in the population databases is considered unreliable, as metrics indicate poor data quality at this position in the gnomAD database. This sequence change replaces glutamic acid, which is acidic and polar, with glutamine, which is neutral and polar, at codon 26 of the APOA1 protein (p.Glu26Gln).

NM_000039.3(APOA1):c.76G>C (p.Glu26Gln)

Genes: APOA1 (apolipoprotein A1; minus strand), APOA1-AS (APOA1 antisense RNA; plus strand). Cytogenetic location: 11q23.3.
Variant type: single nucleotide variant.
Coding change: c.76G>C on transcript NM_000039.3 (MANE Select); coding-DNA position 76, G replaced by C.
Protein change: p.Glu26Gln; replaces glutamic acid 26 with glutamine.
Molecular consequence: missense variant. On other transcripts: 5 prime UTR variant (1), intron variant (2).
Genome position (GRCh38, 1-based): chr11:116,837,125, C>G on the plus strand (G>C on the coding strand, the complement: APOA1 is on the minus strand). VCF-style: chr11-116837125-C-G. GRCh37 (hg19) VCF-style: chr11-116707841-C-G.
Other names: c.76G>C, p.Glu26Gln (NM_001318017.2, NM_001318018.2, NM_001425090.1 and 1 more transcripts); c.-252G>C (NM_001425092.1); c.-128+220G>C (NM_001425091.1); c.-240-12G>C (NM_001318021.2); short protein forms E26Q.
Identifiers: ClinVar variation 2001864 (VCV002001864.5), dbSNP rs1197166743, ClinGen allele CA382721223.